The following is an entry in ClinVar:

NM_001015880.2(PAPSS2):c.451C>T (p.Pro151Ser)

Gene: PAPSS2 (3'-phosphoadenosine 5'-phosphosulfate synthase 2; plus strand). Cytogenetic location: 10q23.31.
Variant type: single nucleotide variant.
Coding change: c.451C>T on transcript NM_001015880.2 (MANE Select); coding-DNA position 451, C replaced by T.
Protein change: p.Pro151Ser; replaces proline 151 with serine.
Molecular consequence: missense variant.
Genome position (GRCh38, 1-based): chr10:87,714,113, C>T. VCF-style: chr10-87714113-C-T. GRCh37 (hg19) VCF-style: chr10-89473870-C-T.
Other names: c.451C>T, p.Pro151Ser (NM_004670.4); short protein forms P151S.
Identifiers: ClinVar variation 2066459 (VCV002066459.2), dbSNP rs779647128, ClinGen allele CA5589465.
Genomic context (GRCh38, chr10:87,714,113, plus strand): 5'-AATGCCCGCAAAATACATGAATCAGCAGGGCTGCCATTCTTTGAAATATTTGTAGATGCA[C>T]CTCTAAATATTTGTGAAAGCAGAGACGTAAAAGGCCTCTATAAAAGGGCCAGAGCTGGGG-3'
Protein context (NP_001015880.1, residues 141-161): LPFFEIFVDA[Pro151Ser]LNICESRDVK

ClinVar aggregate classification (germline): Uncertain significance (1 of 4 stars; one submission).

Conditions:
Spondyloepimetaphyseal dysplasia, PAPSS2 type. Also called: SEMD, PAKISTANI TYPE; BRACHYOLMIA TYPE 4 WITH MILD EPIPHYSEAL AND METAPHYSEAL CHANGES; SPONDYLODYSPLASIA AND PREMATURE PUBARCHE. Identifiers: Orphanet 93282, MedGen C2748516, MONDO:0019666, OMIM 612847.

Allele frequency attached by ClinVar (database versions not stated): gnomAD exomes below 0.00001; ExAC 0.00001; TOPMed 0.00002.

Submission:

Labcorp Genetics (formerly Invitae), Labcorp
Classification: Uncertain significance for Spondyloepimetaphyseal dysplasia, PAPSS2 type. Last evaluated: 2022-08-31. Review status: criteria provided, single submitter. Criteria: Invitae Variant Classification Sherloc (09022015). Collection method: clinical testing. Allele origin: germline.
Comment: Algorithms developed to predict the effect of missense changes on protein structure and function (SIFT, PolyPhen-2, Align-GVGD) all suggest that this variant is likely to be tolerated. In summary, the available evidence is currently insufficient to determine the role of this variant in disease. Therefore, it has been classified as a Variant of Uncertain Significance. This variant has not been reported in the literature in individuals affected with PAPSS2-related conditions. This variant is present in population databases (rs779647128, gnomAD 0.003%). This sequence change replaces proline, which is neutral and non-polar, with serine, which is neutral and polar, at codon 151 of the PAPSS2 protein (p.Pro151Ser).